The following is an entry in ClinVar:

NM_005529.7(HSPG2):c.8073G>A (p.Ser2691=)

Gene: HSPG2 (heparan sulfate proteoglycan 2; minus strand). Cytogenetic location: 1p36.12.
Variant type: single nucleotide variant.
Coding change: c.8073G>A on transcript NM_005529.7 (MANE Select); coding-DNA position 8073, G replaced by A.
Protein change: p.Ser2691=; no amino-acid change (serine 2691 retained).
Molecular consequence: synonymous variant.
Genome position (GRCh38, 1-based): chr1:21,847,445, C>T on the plus strand (G>A on the coding strand, the complement: HSPG2 is on the minus strand). VCF-style: chr1-21847445-C-T. GRCh37 (hg19) VCF-style: chr1-22173938-C-T.
Other names: c.8076G>A, p.Ser2692= (NM_001291860.2).
Identifiers: ClinVar variation 1354017 (VCV001354017.8), dbSNP rs1438656512, ClinGen allele CA416551365.
Genomic context (GRCh38, chr1:21,847,445, plus strand): 5'-GATGACGATGGAGGCCTCCAGGGCATCGATGTTGTTGTTGGCCCGGCACACATACTCGCC[C>T]GAGTCAGCCACAGACATTTGGTGCAACCGCAGGTGGGAGCCATGGGTCTGGACGTGCGGA-3'
Protein context (NP_005520.4, residues 2681-2701): LRLHQMSVAD[Ser2691=]GEYVCRANNN

ClinVar aggregate classification (germline): Uncertain significance (1 of 4 stars; one submission).

Allele frequency attached by ClinVar (database versions not stated): gnomAD 0.00001; gnomAD exomes 0.00001; TOPMed 0.00002.
gnomAD v4.1: 10 of 1,613,820 alleles (0.00062%); highest among the groups gnomAD compares: African/African-American, 0.0027%; no homozygotes.

Submission:

Labcorp Genetics (formerly Invitae), Labcorp
Classification: Uncertain significance. Last evaluated: 2021-05-16. Review status: criteria provided, single submitter. Criteria: Invitae Variant Classification Sherloc (09022015). Collection method: clinical testing. Allele origin: germline.
Comment: In summary, the available evidence is currently insufficient to determine the role of this variant in disease. Therefore, it has been classified as a Variant of Uncertain Significance. Algorithms developed to predict the effect of sequence changes on RNA splicing suggest that this variant may create or strengthen a splice site, but this prediction has not been confirmed by published transcriptional studies. This variant has not been reported in the literature in individuals with HSPG2-related conditions. This variant is not present in population databases (ExAC no frequency). This sequence change affects codon 2691 of the HSPG2 mRNA. It is a 'silent' change, meaning that it does not change the encoded amino acid sequence of the HSPG2 protein.